The following is an entry in ClinVar:

NM_003809.3(TNFSF12):c.739C>A (p.Gln247Lys)

Genes: TNFSF12-TNFSF13 (TNFSF12-TNFSF13 readthrough; plus strand), TNFSF12 (TNF superfamily member 12; plus strand). Cytogenetic location: 17p13.1.
Variant type: single nucleotide variant.
Coding change: c.739C>A on transcript NM_003809.3 (MANE Select); coding-DNA position 739, C replaced by A.
Protein change: p.Gln247Lys; replaces glutamine 247 with lysine.
Molecular consequence: missense variant. On other transcripts: non-coding transcript variant (1), intron variant (1).
Genome position (GRCh38, 1-based): chr17:7,557,339, C>A. VCF-style: chr17-7557339-C-A. GRCh37 (hg19) VCF-style: chr17-7460656-C-A.
Other names: c.498+437C>A (NM_172089.4); short protein forms Q247K.
Identifiers: ClinVar variation 2837891 (VCV002837891.3), dbSNP rs2508364884, ClinGen allele CA397865138.
Genomic context (GRCh38, chr17:7,557,339, plus strand): 5'-CGCACCCTCCCCTGGGCCCATCTCAAGGCTGCCCCCTTCCTCACCTACTTCGGACTCTTC[C>A]AGGTTCACTGAGGGGCCCTGGTCTCCCCGCAGTCGTCCCAGGCTGCCGGCTCCCCTCGAC-3'
Protein context (NP_003800.1, residues 237-249): APFLTYFGLF[Gln247Lys]VH

ClinVar aggregate classification (germline): Uncertain significance (1 of 4 stars; one submission).

Conditions:
Common variable immunodeficiency (CVID). Also called: Common variable hypogamma-globulinemia; Common variable agammaglobulinemia. Identifiers: Orphanet 1572, MedGen C0009447, MONDO:0015517.

Submission:

Labcorp Genetics (formerly Invitae), Labcorp
Classification: Uncertain significance for Common variable immunodeficiency. Last evaluated: 2024-05-06. Review status: criteria provided, single submitter. Criteria: Invitae Variant Classification Sherloc (09022015). Collection method: clinical testing. Allele origin: germline.
Comment: This sequence change replaces glutamine, which is neutral and polar, with lysine, which is basic and polar, at codon 247 of the TNFSF12 protein (p.Gln247Lys). This variant is not present in population databases (gnomAD no frequency). This variant has not been reported in the literature in individuals affected with TNFSF12-related conditions. An algorithm developed to predict the effect of missense changes on protein structure and function (PolyPhen-2) suggests that this variant is likely to be disruptive. In summary, the available evidence is currently insufficient to determine the role of this variant in disease. Therefore, it has been classified as a Variant of Uncertain Significance.